The following is an entry in ClinVar:

ClinVar aggregate classification (germline): Uncertain significance (1 of 4 stars; one submission).

Allele frequency attached by ClinVar (database versions not stated): gnomAD exomes 0.00002; ExAC 0.00003; ESP Exome Variant Server 0.00008; TOPMed 0.00009; gnomAD 0.00015; 1000 Genomes Project 30x 0.00016; 1000 Genomes Project 0.00020.

Submission:

Labcorp Genetics (formerly Invitae), Labcorp
Classification: Uncertain significance. Last evaluated: 2022-07-03. Review status: criteria provided, single submitter. Criteria: Invitae Variant Classification Sherloc (09022015). Collection method: clinical testing. Allele origin: germline.
Comment: Algorithms developed to predict the effect of missense changes on protein structure and function are either unavailable or do not agree on the potential impact of this missense change (SIFT: "Deleterious"; PolyPhen-2: "Benign"; Align-GVGD: "Class C0"). In summary, the available evidence is currently insufficient to determine the role of this variant in disease. Therefore, it has been classified as a Variant of Uncertain Significance. This variant has not been reported in the literature in individuals affected with GOT2-related conditions. This variant is present in population databases (rs138952206, gnomAD 0.03%). This sequence change replaces arginine, which is basic and polar, with histidine, which is basic and polar, at codon 81 of the GOT2 protein (p.Arg81His).

NM_002080.4(GOT2):c.242G>A (p.Arg81His)

Gene: GOT2 (glutamic-oxaloacetic transaminase 2; minus strand). Cytogenetic location: 16q21.
Variant type: single nucleotide variant.
Coding change: c.242G>A on transcript NM_002080.4 (MANE Select); coding-DNA position 242, G replaced by A.
Protein change: p.Arg81His; replaces arginine 81 with histidine.
Molecular consequence: missense variant.
Genome position (GRCh38, 1-based): chr16:58,723,750, C>T on the plus strand (G>A on the coding strand, the complement: GOT2 is on the minus strand). VCF-style: chr16-58723750-C-T. GRCh37 (hg19) VCF-style: chr16-58757654-C-T.
Other names: c.242G>A, p.Arg81His (NM_001286220.2); short protein forms R81H.
Identifiers: ClinVar variation 2196909 (VCV002196909.2), dbSNP rs138952206, ClinGen allele CA8091115.